The following is an entry in ClinVar:

ClinVar aggregate classification (germline): Uncertain significance. Review status: criteria provided, multiple submitters, no conflicts (2 of 4 stars). 3 submissions from 3 submitters: Uncertain significance (3). Last evaluated 2026-04-20.

Conditions:
SLC12A2-related disorder. Also called: SLC12A2-related condition; SLC12A2-related disorders.

Submissions (3):

PreventionGenetics, part of Exact Sciences
Classification: Uncertain significance for SLC12A2-related condition. Last evaluated: 2026-04-20. Review status: criteria provided, single submitter. Criteria: ACMG Guidelines, 2015. Collection method: clinical testing. Allele origin: germline.
Comment: The SLC12A2 c.306_320dup15 variant is predicted to result in an in-frame duplication (p.Ala103_Ala107dup). To our knowledge, this variant has not been reported in the literature. This variant is reported in 0.024% of alleles in individuals of African descent in gnomAD. At this time, the clinical significance of this variant is uncertain due to the absence of conclusive functional and genetic evidence.

GeneDx
Classification: Uncertain significance. Last evaluated: 2025-06-06. Review status: criteria provided, single submitter. Criteria: GeneDx Variant Classification Process June 2021. Collection method: clinical testing. Allele origin: germline. Affected: yes.
Comment: Not observed at significant frequency in large population cohorts (gnomAD); In-frame duplication of 5 amino acids in a repetitive region with no known function; Has not been previously published as pathogenic or benign to our knowledge

Labcorp Genetics (formerly Invitae), Labcorp
Classification: Uncertain significance. Last evaluated: 2023-10-15. Review status: criteria provided, single submitter. Criteria: Invitae Variant Classification Sherloc (09022015). Collection method: clinical testing. Allele origin: germline.
Comment: This variant, c.306_320dup, results in the insertion of 5 amino acid(s) of the SLC12A2 protein (p.Ala103_Ala107dup), but otherwise preserves the integrity of the reading frame. The frequency data for this variant in the population databases is considered unreliable, as metrics indicate poor data quality at this position in the gnomAD database. This variant has not been reported in the literature in individuals affected with SLC12A2-related conditions. In summary, the available evidence is currently insufficient to determine the role of this variant in disease. Therefore, it has been classified as a Variant of Uncertain Significance.

NM_001046.3(SLC12A2):c.306_320dup (p.Ala107_Gly108insAlaAlaAlaAlaAla)

Genes: SLC12A2 (solute carrier family 12 member 2; plus strand), LOC129994526 (ATAC-STARR-seq lymphoblastoid silent region 16295; plus strand). Cytogenetic location: 5q23.3.
Variant type: Duplication.
Coding change: c.306_320dup on transcript NM_001046.3 (MANE Select); coding-DNA positions 306 to 320, 15 bases duplicated (GGCAGCGGCGGCGGC).
Protein change: p.Ala107_Gly108insAlaAlaAlaAlaAla.
Molecular consequence: inframe insertion. On other transcripts: non-coding transcript variant (1).
Genome position (GRCh38, 1-based): chr5:128,084,260-128,084,274, GGCAGCGGCGGCGGC duplicated; duplicating any 15 consecutive bases within chr5:128,084,249-128,084,274 gives the same sequence; the c. name uses the placement nearest the transcript's 3' end. VCF-style (leftmost placement, unchanged base first): chr5-128084248-G-GGCGGCGGCGGCGGCA. GRCh37 (hg19) VCF-style: chr5-127419940-G-GGCGGCGGCGGCGGCA.
Other names: c.306_320dup15 (NM_001046.2); c.306_320dup (NM_001046.2); c.306_320dup, p.Ala107_Gly108insAlaAlaAlaAlaAla (NM_001256461.2).
Identifiers: ClinVar variation 2719170 (VCV002719170.5), dbSNP rs1238147587, ClinGen allele CA563056122.